The following is an entry in ClinVar:

NM_000057.4(BLM):c.1254_1255del (p.Lys418_Ser419insTer)

Gene: BLM (BLM RecQ like helicase; plus strand). Cytogenetic location: 15q26.1.
Variant type: Deletion.
Coding change: c.1254_1255del on transcript NM_000057.4 (MANE Select); coding-DNA positions 1254 to 1255, 2 bases deleted (AA; older notation c.1254_1255delAA).
Protein change: p.Lys418_Ser419insTer.
Molecular consequence: frameshift variant.
Genome position (GRCh38, 1-based): chr15:90,760,627-90,760,628, AA deleted; deleting any 2 consecutive bases within chr15:90,760,625-90,760,628 gives the same sequence; the c. name uses the placement nearest the transcript's 3' end. VCF-style (leftmost placement, unchanged base first): chr15-90760624-TAA-T. GRCh37 (hg19) VCF-style: chr15-91303854-TAA-T.
Other names: c.1254_1255del, p.Lys418_Ser419insTer (NM_001287246.2, NM_001287247.2); c.129_130del, p.Lys43_Ser44insTer (NM_001287248.2).
Identifiers: ClinVar variation 970525 (VCV000970525.8), dbSNP rs1895946786, ClinGen allele CA1139664158.
Genomic context (GRCh38, chr15:90,760,624, plus strand): 5'-TTAATACGTTGTTCTCTTTTCTCTCTTCAGAAGGAAACTTCTAACGGAAGTAGATTTTAA[TAA>T]AAGTGATGCCAGTCTTCTTGGCTCATTGTGGAGATACAGGCCTGATTCACTTGATGGCCC-3'

ClinVar aggregate classification (germline): Pathogenic (1 of 4 stars; one submission).

Conditions:
Bloom syndrome (BLM). Also called: Bloom-Torre-Machacek syndrome. Identifiers: Orphanet 125, MedGen C0005859, MONDO:0008876, OMIM 210900.

Submission:

Labcorp Genetics (formerly Invitae), Labcorp
Classification: Pathogenic for Bloom syndrome. Last evaluated: 2019-10-19. Review status: criteria provided, single submitter. Criteria: Invitae Variant Classification Sherloc (09022015). Collection method: clinical testing. Allele origin: germline.
Comment: This sequence change creates a premature translational stop signal (p.Ser419*) in the BLM gene. It is expected to result in an absent or disrupted protein product. This variant is not present in population databases (ExAC no frequency). For these reasons, this variant has been classified as Pathogenic. Loss-of-function variants in BLM are known to be pathogenic (PMID: 17407155). This variant has not been reported in the literature in individuals with BLM-related conditions.

Literature cited by the submitters: PubMed 17407155.